The following is an entry in ClinVar:

ClinVar aggregate classification (germline): Uncertain significance (1 of 4 stars; one submission).

gnomAD v4.1: 1 of 1,614,002 alleles (0.000062%); no homozygotes.

Submission:

Labcorp Genetics (formerly Invitae), Labcorp
Classification: Uncertain significance. Last evaluated: 2025-05-07. Review status: criteria provided, single submitter. Criteria: Invitae Variant Classification Sherloc (09022015). Collection method: clinical testing. Allele origin: germline.
Comment: This sequence change creates a premature translational stop signal (p.Leu880*) in the KIF20A gene. While this is not anticipated to result in nonsense mediated decay, it is expected to disrupt the last 11 amino acid(s) of the KIF20A protein. This variant is present in population databases (no rsID available, gnomAD no frequency). This variant has not been reported in the literature in individuals affected with KIF20A-related conditions. ClinVar contains an entry for this variant (Variation ID: 2808523). Experimental studies and prediction algorithms are not available or were not evaluated, and the functional significance of this variant is currently unknown. In summary, the available evidence is currently insufficient to determine the role of this variant in disease. Therefore, it has been classified as a Variant of Uncertain Significance.

NM_005733.3(KIF20A):c.2639T>A (p.Leu880Ter)

Gene: KIF20A (kinesin family member 20A; plus strand). Cytogenetic location: 5q31.2.
Variant type: single nucleotide variant.
Coding change: c.2639T>A on transcript NM_005733.3 (MANE Select); coding-DNA position 2639, T replaced by A.
Protein change: p.Leu880Ter; replaces leucine 880 with a stop codon.
Molecular consequence: nonsense.
Genome position (GRCh38, 1-based): chr5:138,187,379, T>A. VCF-style: chr5-138187379-T-A. GRCh37 (hg19) VCF-style: chr5-137523068-T-A.
Other names: short protein forms L880*.
Identifiers: ClinVar variation 2808523 (VCV002808523.3), dbSNP rs1319662318, ClinGen allele CA361120472.
Genomic context (GRCh38, chr5:138,187,379, plus strand): 5'-GCCAAAGCTCAACAGACTGCAGCCCTTATGCCCGGATCCTACGCTCACGGCGTTCCCCTT[T>A]ACTCAAATCTGGGCCTTTTGGCAAAAAGTACTAAGGCTGTGGGGAAAGAGAAGAGCAGTC-3'